The following is an entry in ClinVar:

NM_025114.4(CEP290):c.6538C>G (p.Leu2180Val)

Gene: CEP290 (centrosomal protein 290; minus strand). Cytogenetic location: 12q21.32.
Variant type: single nucleotide variant.
Coding change: c.6538C>G on transcript NM_025114.4 (MANE Select); coding-DNA position 6538, C replaced by G.
Protein change: p.Leu2180Val; replaces leucine 2180 with valine.
Molecular consequence: missense variant.
Genome position (GRCh38, 1-based): chr12:88,060,005, G>C on the plus strand (C>G on the coding strand, the complement: CEP290 is on the minus strand). VCF-style: chr12-88060005-G-C. GRCh37 (hg19) VCF-style: chr12-88453782-G-C.
Other names: short protein forms L2180V.
Identifiers: ClinVar variation 2635343 (VCV002635343.1), dbSNP rs1381853150, ClinGen allele CA385978379.

ClinVar aggregate classification (germline): Uncertain significance (1 of 4 stars; one submission).

Conditions:
CEP290-related disorder. Also called: CEP290-related condition; CEP290-related disorders. Identifiers: MedGen CN239314.

Allele frequency attached by ClinVar (database versions not stated): gnomAD exomes below 0.00001.
gnomAD v4.1: 1 of 1,557,266 alleles (0.000064%); highest among the groups gnomAD compares: East Asian, 0.0023%; no homozygotes.

Submission:

PreventionGenetics, part of Exact Sciences
Classification: Uncertain significance for CEP290-related condition. Last evaluated: 2022-11-14. Review status: criteria provided, single submitter. Criteria: ACMG Guidelines, 2015. Collection method: clinical testing. Allele origin: germline.
Comment: The CEP290 c.6538C>G variant is predicted to result in the amino acid substitution p.Leu2180Val. To our knowledge, this variant has not been reported in the literature. This variant is reported in 0.0081% of alleles in individuals of East Asian descent in gnomAD. At this time, the clinical significance of this variant is uncertain due to the absence of conclusive functional and genetic evidence.